The following is an entry in ClinVar:

NM_001148.6(ANK2):c.2645_2647del (p.Asp882del)

Gene: ANK2 (ankyrin 2; plus strand). Cytogenetic location: 4q26.
Variant type: Deletion.
Coding change: c.2645_2647del on transcript NM_001148.6 (MANE Select); coding-DNA positions 2645 to 2647, 3 bases deleted (ATG; older notation c.2645_2647delATG).
Protein change: p.Asp882del; deletes aspartic acid 882.
Molecular consequence: inframe deletion. On other transcripts: inframe indel (1).
Genome position (GRCh38, 1-based): chr4:113,311,351-113,311,353, ATG deleted; deleting any 3 consecutive bases within chr4:113,311,350-113,311,353 gives the same sequence; the c. name uses the placement nearest the transcript's 3' end. VCF-style (leftmost placement, unchanged base first): chr4-113311349-GGAT-G. GRCh37 (hg19) VCF-style: chr4-114232505-GGAT-G.
Other names: c.2558_2560del, p.Asp853del (NM_001354267.2, NM_001354274.2, NM_001354276.2 and 10 more transcripts); c.2546_2548del, p.Asp849del (NM_001354268.2, NM_001354245.2); c.2435_2437del, p.Asp812del (NM_001354269.3); c.2483_2485del, p.Asp828del (NM_001354270.2, NM_001354253.2, NM_001354257.2 and 1 more transcripts); c.2459_2461del, p.Asp820del (NM_001354271.2, NM_001354260.2, NM_001386151.1); c.2582_2584del, p.Asp861del (NM_001354272.2, NM_001354275.2, NM_001354243.2 and 10 more transcripts); c.2447_2449del, p.Asp816del (NM_001354273.2); c.2645_2647del, p.Asp882del (NM_001354246.2, NM_001354225.2, NM_001354228.2 and 6 more transcripts); and 10 more; short protein forms D754del, D787del, D812del, D816del, D820del, D828del, D849del, D853del.
Identifiers: ClinVar variation 4282275 (VCV004282275.1).
Genomic context (GRCh38, chr4:113,311,349, plus strand): 5'-CCTTAGGCCTGAGGACCTAAAAGAACTGGGTGATGACTCACTACCCAGCAGTCAGTTCCT[GGAT>G]GGTATGAATTACCTGCGATACAGCTTGGAGGGAGGACGATCTGACAGGTATCTCATAAAA-3'

ClinVar aggregate classification (germline): Uncertain significance (1 of 4 stars; one submission).

Submission:

GeneDx
Classification: Uncertain significance. Last evaluated: 2025-04-18. Review status: criteria provided, single submitter. Criteria: GeneDx Variant Classification Process June 2021. Collection method: clinical testing. Allele origin: germline. Affected: yes.
Comment: In-frame deletion of 1 amino acid(s) in a non-repeat region; Not observed at significant frequency in large population cohorts (gnomAD); In silico analysis supports a deleterious effect on protein structure/function; Has not been previously published as pathogenic or benign to our knowledge